The following is an entry in ClinVar:

ClinVar aggregate classification (germline): Likely pathogenic (1 of 4 stars; one submission).

Conditions:
Primary ciliary dyskinesia 3. Identifiers: Orphanet 244, MedGen C1837618, MONDO:0012085, OMIM 608644.

Submission:

Myriad Genetics, Inc.
Classification: Likely pathogenic for Primary ciliary dyskinesia 3. Last evaluated: 2022-01-23. Review status: criteria provided, single submitter. Criteria: Myriad Women's Health Autosomal Recessive and X-Linked Classification Criteria (2021). Collection method: clinical testing. Allele origin: unknown.
Comment: NM_001369.2(DNAH5):c.457_458ins8(L153Wfs*2) is expected to be pathogenic in the context of DNAH5-related primary ciliary dyskinesia. This variant is predicted to lead to an abnormal or absent protein product due to the creation of a premature termination codon in DNAH5, a gene where loss-of-function variants are known to be pathogenic. Please note: this variant was assessed in the context of healthy population screening.

NM_001369.3(DNAH5):c.457_458insGGTAACAG (p.Leu153delinsTrpTer)

Gene: DNAH5 (dynein axonemal heavy chain 5; minus strand). Cytogenetic location: 5p15.2.
Variant type: Insertion.
Coding change: c.457_458insGGTAACAG on transcript NM_001369.3 (MANE Select); coding-DNA positions 457 to 458, GGTAACAG inserted.
Protein change: p.Leu153delinsTrpTer.
Molecular consequence: nonsense.
Genome position: GRCh38 VCF-style: chr5-13922309-A-ACTGTTACC. GRCh37 (hg19) VCF-style: chr5-13922418-A-ACTGTTACC.
Identifiers: ClinVar variation 1724002 (VCV001724002.2), dbSNP rs2547156743, ClinGen allele CA2580072128.